The following is an entry in ClinVar:

ClinVar aggregate classification (germline): Uncertain significance. Review status: criteria provided, multiple submitters, no conflicts (2 of 4 stars). 2 submissions from 2 submitters: Uncertain significance (2). Last evaluated 2023-07-18.

Conditions:
Severe X-linked myotubular myopathy (CNMX). Also called: X-linked centronuclear myopathy; MYOTUBULAR MYOPATHY 1; Myotubular myopathy, X-linked. Identifiers: Orphanet 596, MedGen C0410203, MONDO:0010683, OMIM 310400.

Submissions (2):

Labcorp Genetics (formerly Invitae), Labcorp
Classification: Uncertain significance for Severe X-linked myotubular myopathy. Last evaluated: 2023-07-18. Review status: criteria provided, single submitter. Criteria: Invitae Variant Classification Sherloc (09022015). Collection method: clinical testing. Allele origin: germline.
Comment: In summary, the available evidence is currently insufficient to determine the role of this variant in disease. Therefore, it has been classified as a Variant of Uncertain Significance. An algorithm developed to predict the effect of missense changes on protein structure and function (PolyPhen-2) suggests that this variant is likely to be disruptive. This variant has not been reported in the literature in individuals affected with MTM1-related conditions. The frequency data for this variant in the population databases is considered unreliable, as metrics indicate poor data quality at this position in the gnomAD database. This sequence change replaces serine, which is neutral and polar, with methionine, which is neutral and non-polar, at codon 91 of the MTM1 protein (p.Ser91Met).

Revvity Omics, Revvity
Classification: Uncertain significance. Last evaluated: 2022-01-25. Review status: criteria provided, single submitter. Criteria: ACMG Guidelines, 2015. Collection method: clinical testing. Allele origin: germline.

NM_000252.3(MTM1):c.271_272delinsAT (p.Ser91Met)

Gene: MTM1 (myotubularin 1; plus strand). Cytogenetic location: Xq28.
Variant type: Indel.
Coding change: c.271_272delinsAT on transcript NM_000252.3 (MANE Select); coding-DNA positions 271 to 272, TC replaced by AT.
Protein change: p.Ser91Met; replaces serine 91 with methionine.
Molecular consequence: missense variant. On other transcripts: intron variant (1).
Genome position (GRCh38, 1-based): chrX:150,614,628-150,614,629, TC replaced by AT. VCF-style: chrX-150614628-TC-AT. GRCh37 (hg19) VCF-style: chrX-149783101-TC-AT.
Other names: c.271_272delTCinsAT, p.Ser91Met (NM_000252.2); c.271_272delinsAT, p.Ser91Met (NM_001376906.1, NM_001376908.1); c.232-4410_232-4409delinsAT (NM_001376907.1); short protein forms S91M.
Identifiers: ClinVar variation 2689454 (VCV002689454.5), dbSNP rs2522227493, ClinGen allele CA2697544771.
Genomic context (GRCh38, chrX:150,614,628, plus strand): 5'-CTGTATTTTTGTCCATTACAGGATTCTTCTCTAATACTTGATGTTCCTCTGGGTGTGATC[TC>AT]GAGAATTGAAAAAATGGGAGGCGCGACAAGTAGAGGAGAAAATTCCTATGGTCTAGATAT-3'
Protein context (NP_000243.1, residues 81-101): LILDVPLGVI[Ser91Met]RIEKMGGATS